The following is an entry in ClinVar:

ClinVar aggregate classification (germline): Uncertain significance (1 of 4 stars; one submission).

Conditions:
Dilated cardiomyopathy 1DD (CMD1DD). Identifiers: Orphanet 154, MedGen C2750995, MONDO:0013168, OMIM 613172.

Allele frequency attached by ClinVar (database versions not stated): TOPMed below 0.00001.

Submission:

Labcorp Genetics (formerly Invitae), Labcorp
Classification: Uncertain significance for Dilated cardiomyopathy 1DD. Last evaluated: 2017-10-02. Review status: criteria provided, single submitter. Criteria: Invitae Variant Classification Sherloc (09022015). Collection method: clinical testing. Allele origin: germline.
Comment: This sequence change replaces asparagine with serine at codon 533 of the RBM20 protein (p.Asn533Ser). The asparagine residue is highly conserved and there is a small physicochemical difference between asparagine and serine. This variant is not present in population databases (ExAC no frequency). This variant has not been reported in the literature in individuals with RBM20-related disease. Algorithms developed to predict the effect of missense changes on protein structure and function do not agree on the potential impact of this missense change (SIFT: "Deleterious"; PolyPhen-2: "Probably Damaging"; Align-GVGD: "Class C0"). In summary, the available evidence is currently insufficient to determine the role of this variant in disease. Therefore, it has been classified as a Variant of Uncertain Significance.

NM_001134363.3(RBM20):c.1598A>G (p.Asn533Ser)

Gene: RBM20 (RNA binding motif protein 20; plus strand). Cytogenetic location: 10q25.2.
Variant type: single nucleotide variant.
Coding change: c.1598A>G on transcript NM_001134363.3 (MANE Select); coding-DNA position 1598, A replaced by G.
Protein change: p.Asn533Ser; replaces asparagine 533 with serine.
Molecular consequence: missense variant.
Genome position (GRCh38, 1-based): chr10:110,797,578, A>G. VCF-style: chr10-110797578-A-G. GRCh37 (hg19) VCF-style: chr10-112557336-A-G.
Other names: short protein forms N533S.
Identifiers: ClinVar variation 538031 (VCV000538031.1), dbSNP rs1309738508, ClinGen allele CA378390085.